The following is an entry in ClinVar:

ClinVar aggregate classification (germline): Uncertain significance (1 of 4 stars; one submission).

Conditions:
Primary ciliary dyskinesia. Also called: Ciliary dyskinesia. Identifiers: Orphanet 244, MedGen C0008780, MONDO:0016575, HP:0012265.

Allele frequency attached by ClinVar (database versions not stated): gnomAD exomes below 0.00001; TOPMed below 0.00001.
gnomAD v4.1: 2 of 1,551,982 alleles (0.00013%); highest among the groups gnomAD compares: Non-Finnish European, 0.000087%; no homozygotes.

Submission:

Labcorp Genetics (formerly Invitae), Labcorp
Classification: Uncertain significance for Primary ciliary dyskinesia. Last evaluated: 2025-02-19. Review status: criteria provided, single submitter. Criteria: Invitae Variant Classification Sherloc (09022015). Collection method: clinical testing. Allele origin: germline.
Comment: This sequence change replaces threonine, which is neutral and polar, with proline, which is neutral and non-polar, at codon 80 of the DNAAF2 protein (p.Thr80Pro). This variant is not present in population databases (gnomAD no frequency). This variant has not been reported in the literature in individuals affected with DNAAF2-related conditions. ClinVar contains an entry for this variant (Variation ID: 1421964). Invitae Evidence Modeling of protein sequence and biophysical properties (such as structural, functional, and spatial information, amino acid conservation, physicochemical variation, residue mobility, and thermodynamic stability) indicates that this missense variant is expected to disrupt DNAAF2 protein function with a positive predictive value of 80%. In summary, the available evidence is currently insufficient to determine the role of this variant in disease. Therefore, it has been classified as a Variant of Uncertain Significance.

NM_018139.3(DNAAF2):c.238A>C (p.Thr80Pro)

Gene: DNAAF2 (dynein axonemal assembly factor 2; minus strand). Cytogenetic location: 14q21.3.
Variant type: single nucleotide variant.
Coding change: c.238A>C on transcript NM_018139.3 (MANE Select); coding-DNA position 238, A replaced by C.
Protein change: p.Thr80Pro; replaces threonine 80 with proline.
Molecular consequence: missense variant.
Genome position (GRCh38, 1-based): chr14:49,634,912, T>G on the plus strand (A>C on the coding strand, the complement: DNAAF2 is on the minus strand). VCF-style: chr14-49634912-T-G. GRCh37 (hg19) VCF-style: chr14-50101630-T-G.
Other names: c.238A>C, p.Thr80Pro (NM_001083908.2); short protein forms T80P.
Identifiers: ClinVar variation 1421964 (VCV001421964.8), dbSNP rs1883300171, ClinGen allele CA389632267.